The following is an entry in ClinVar:

ClinVar aggregate classification (germline): Uncertain significance. Review status: criteria provided, multiple submitters, no conflicts (2 of 4 stars). 2 submissions from 2 submitters: Uncertain significance (2). Last evaluated 2023-01-15.

Conditions:
Cardiovascular phenotype. Identifiers: MedGen CN230736.
Long QT syndrome 12 (LQT12). Identifiers: Orphanet 101016, Orphanet 768, MedGen C2751830, MONDO:0013062, OMIM 612955.

Submissions (2):

Ambry Genetics
Classification: Uncertain significance for Cardiovascular phenotype. Last evaluated: 2023-01-15. Review status: criteria provided, single submitter. Criteria: Ambry Variant Classification Scheme 2023. Collection method: clinical testing. Allele origin: germline.
Comment: The p.A93T variant (also known as c.277G>A), located in coding exon 1 of the SNTA1 gene, results from a G to A substitution at nucleotide position 277. The alanine at codon 93 is replaced by threonine, an amino acid with similar properties. This amino acid position is conserved. In addition, this alteration is predicted to be tolerated by in silico analysis. Since supporting evidence is limited at this time, the clinical significance of this alteration remains unclear.

Illumina Laboratory Services, Illumina
Classification: Uncertain significance for Long QT syndrome 12. Last evaluated: 2018-01-12. Review status: criteria provided, single submitter. Criteria: ICSL Variant Classification Criteria 13 December 2019. Collection method: clinical testing. Allele origin: germline.

NM_003098.3(SNTA1):c.277G>A (p.Ala93Thr)

Genes: SNTA1 (syntrophin alpha 1; minus strand), LOC130065679 (ATAC-STARR-seq lymphoblastoid silent region 12811; plus strand). Cytogenetic location: 20q11.21.
Variant type: single nucleotide variant.
Coding change: c.277G>A on transcript NM_003098.3 (MANE Select); coding-DNA position 277, G replaced by A.
Protein change: p.Ala93Thr; replaces alanine 93 with threonine.
Molecular consequence: missense variant.
Genome position (GRCh38, 1-based): chr20:33,443,344, C>T on the plus strand (G>A on the coding strand, the complement: SNTA1 is on the minus strand). VCF-style: chr20-33443344-C-T. GRCh37 (hg19) VCF-style: chr20-32031150-C-T.
Other names: short protein forms A93T.
Identifiers: ClinVar variation 338220 (VCV000338220.8), dbSNP rs886056627, ClinGen allele CA10649619.